The following is an entry in ClinVar:

NM_000276.4(OCRL):c.461A>G (p.Asn154Ser)

Gene: OCRL (OCRL inositol polyphosphate-5-phosphatase; plus strand). Cytogenetic location: Xq26.1.
Variant type: single nucleotide variant.
Coding change: c.461A>G on transcript NM_000276.4 (MANE Select); coding-DNA position 461, A replaced by G.
Protein change: p.Asn154Ser; replaces asparagine 154 with serine.
Molecular consequence: missense variant.
Genome position (GRCh38, 1-based): chrX:129,558,654, A>G. VCF-style: chrX-129558654-A-G. GRCh37 (hg19) VCF-style: chrX-128692631-A-G.
Other names: c.464A>G, p.Asn155Ser (NM_001318784.2); c.461A>G, p.Asn154Ser (NM_001587.4); short protein forms N154S, N155S.
Identifiers: ClinVar variation 2434491 (VCV002434491.6), dbSNP rs1320309726, ClinGen allele CA414551301.

ClinVar aggregate classification (germline): Uncertain significance. Review status: criteria provided, multiple submitters, no conflicts (2 of 4 stars). 2 submissions from 2 submitters: Uncertain significance (2). Last evaluated 2025-04-10.

Conditions:
Lowe syndrome (OCRL). Also called: LOWE OCULOCEREBRORENAL SYNDROME; PHOSPHATIDYLINOSITOL 4,5-BISPHOSPHATE 5-PHOSPHATASE DEFICIENCY; Oculocerebrorenal Syndrome. Identifiers: Orphanet 534, MedGen C0028860, MONDO:0010645, OMIM 309000.

Allele frequency attached by ClinVar (database versions not stated): gnomAD exomes below 0.00001; TOPMed 0.00002.

Submissions (2):

Revvity Omics, Revvity
Classification: Uncertain significance. Last evaluated: 2025-04-10. Review status: criteria provided, single submitter. Criteria: ACMG Guidelines, 2015. Collection method: clinical testing. Allele origin: germline.

Labcorp Genetics (formerly Invitae), Labcorp
Classification: Uncertain significance for Lowe syndrome. Last evaluated: 2023-07-25. Review status: criteria provided, single submitter. Criteria: Invitae Variant Classification Sherloc (09022015). Collection method: clinical testing. Allele origin: germline.
Comment: ClinVar contains an entry for this variant (Variation ID: 2434491). In summary, the available evidence is currently insufficient to determine the role of this variant in disease. Therefore, it has been classified as a Variant of Uncertain Significance. Advanced modeling of protein sequence and biophysical properties (such as structural, functional, and spatial information, amino acid conservation, physicochemical variation, residue mobility, and thermodynamic stability) performed at Invitae indicates that this missense variant is not expected to disrupt OCRL protein function. This variant has not been reported in the literature in individuals affected with OCRL-related conditions. This variant is not present in population databases (gnomAD no frequency). This sequence change replaces asparagine, which is neutral and polar, with serine, which is neutral and polar, at codon 154 of the OCRL protein (p.Asn154Ser).